The following is an entry in ClinVar:

ClinVar aggregate classification (germline): Uncertain significance. Review status: criteria provided, multiple submitters, no conflicts (2 of 4 stars). 3 submissions from 3 submitters: Uncertain significance (2). 1 of the submissions does not count toward it. Last evaluated 2025-10-05.

Conditions:
Gnathodiaphyseal dysplasia (GDD). Also called: GNATHODIAPHYSEAL SCLEROSIS; OSTEOGENESIS IMPERFECTA WITH UNUSUAL SKELETAL LESIONS. Identifiers: Orphanet 53697, MedGen C1833736, MONDO:0008151, OMIM 166260.
Autosomal recessive limb-girdle muscular dystrophy type 2L (LGMDR12). Also called: Limb-girdle muscular dystrophy, type 2L; MUSCULAR DYSTROPHY, LIMB-GIRDLE, AUTOSOMAL RECESSIVE 12; Limb-Girdle Muscular Dystrophy R12 Anoctamin-5-Related (LGMD-R12). Identifiers: Orphanet 206549, MedGen C1969785, MONDO:0012652, OMIM 611307.
Elevated circulating creatine kinase activity. Also called: Elevated creatine kinase; Elevated circulating creatine kinase concentration; Elevated serum creatine phosphokinase. Identifiers: MedGen C0241005, HP:0003236.

Allele frequency attached by ClinVar (database versions not stated): gnomAD 0.00001; TOPMed 0.00001.
gnomAD v4.1: 1 of 1,607,694 alleles (0.000062%); highest among the groups gnomAD compares: Non-Finnish European, 0.000085%; no homozygotes.

Submissions (3):

Labcorp Genetics (formerly Invitae), Labcorp
Classification: Uncertain significance for Autosomal recessive limb-girdle muscular dystrophy type 2L; Gnathodiaphyseal dysplasia. Last evaluated: 2025-10-05. Review status: criteria provided, single submitter. Criteria: Invitae Variant Classification Sherloc (09022015). Collection method: clinical testing. Allele origin: germline.
Comment: This sequence change replaces leucine, which is neutral and non-polar, with phenylalanine, which is neutral and non-polar, at codon 252 of the ANO5 protein (p.Leu252Phe). This variant is not present in population databases (gnomAD no frequency). This variant has not been reported in the literature in individuals affected with ANO5-related conditions. ClinVar contains an entry for this variant (Variation ID: 1192182). Invitae Evidence Modeling of protein sequence and biophysical properties (such as structural, functional, and spatial information, amino acid conservation, physicochemical variation, residue mobility, and thermodynamic stability) indicates that this missense variant is expected to disrupt ANO5 protein function with a positive predictive value of 95%. In summary, the available evidence is currently insufficient to determine the role of this variant in disease. Therefore, it has been classified as a Variant of Uncertain Significance.

Women's Health and Genetics/Laboratory Corporation of America, LabCorp
Classification: Uncertain significance. Last evaluated: 2025-06-05. Review status: criteria provided, single submitter. Criteria: LabCorp Variant Classification Summary - May 2015. Collection method: clinical testing. Allele origin: germline.
Comment: Variant summary: ANO5 c.754C>T (p.Leu252Phe) results in a non-conservative amino acid change in the encoded protein sequence. Algorithms developed to predict the effect of missense changes on protein structure and function all suggest that this variant is likely to be disruptive. The variant was absent in 250898 control chromosomes. The available data on variant occurrences in the general population are insufficient to allow any conclusion about variant significance. To our knowledge, no occurrence of c.754C>T in individuals affected with Autosomal recessive limb-girdle muscular dystrophy type 2L and no experimental evidence demonstrating its impact on protein function have been reported. ClinVar contains an entry for this variant (Variation ID: 1192182). Based on the evidence outlined above, the variant was classified as uncertain significance.

Institute of Human Genetics, University of Wuerzburg
Classification: Uncertain significance for Elevated circulating creatine kinase activity. Review status: no assertion criteria provided. Collection method: clinical testing. Allele origin: unknown. Not counted in ClinVar's aggregate classification.

NM_213599.3(ANO5):c.754C>T (p.Leu252Phe)

Gene: ANO5 (anoctamin 5; plus strand). Cytogenetic location: 11p14.3.
Variant type: single nucleotide variant.
Coding change: c.754C>T on transcript NM_213599.3 (MANE Select); coding-DNA position 754, C replaced by T.
Protein change: p.Leu252Phe; replaces leucine 252 with phenylalanine.
Molecular consequence: missense variant.
Genome position (GRCh38, 1-based): chr11:22,236,268, C>T. VCF-style: chr11-22236268-C-T. GRCh37 (hg19) VCF-style: chr11-22257814-C-T.
Other names: c.751C>T, p.Leu251Phe (NM_001142649.2); short protein forms L251F, L252F.
Identifiers: ClinVar variation 1192182 (VCV001192182.10), dbSNP rs1159326828, ClinGen allele CA379920335.